The following is an entry in ClinVar:

ClinVar aggregate classification (germline): Likely benign. Review status: criteria provided, multiple submitters, no conflicts (2 of 4 stars). 2 submissions from 2 submitters: Likely benign (2). Last evaluated 2025-09-30.

Conditions:
Hereditary sensory and autonomic neuropathy type 6. Also called: Neuropathy, hereditary sensory and autonomic, type VI; HSAN VI. Identifiers: Orphanet 314381, MedGen C3539003, MONDO:0013839, OMIM 614653.
Epidermolysis bullosa simplex 3, localized or generalized intermediate, with BP230 deficiency (EBS3). Also called: Epidermolysis bullosa simplex due to BP230 deficiency; Epidermolysis bullosa simplex, autosomal recessive 2. Identifiers: Orphanet 412181, MedGen C3809470, MONDO:0014180, OMIM 615425.

Allele frequency attached by ClinVar (database versions not stated): gnomAD 0.00001 and 0.00015; TOPMed 0.00002; ExAC 0.00049; gnomAD exomes 0.00049; 1000 Genomes Project 30x 0.00109; 1000 Genomes Project 0.00120.
gnomAD v4.1: 339 of 1,614,120 alleles (0.021%); highest among the groups gnomAD compares: South Asian, 0.31%; 3 homozygotes.

Submissions (2):

Labcorp Genetics (formerly Invitae), Labcorp
Classification: Likely benign for Epidermolysis bullosa simplex 3, localized or generalized intermediate, with BP230 deficiency; Hereditary sensory and autonomic neuropathy type 6. Last evaluated: 2025-09-30. Review status: criteria provided, single submitter. Criteria: Invitae Variant Classification Sherloc (09022015). Collection method: clinical testing. Allele origin: germline.

CeGaT Center for Human Genetics Tuebingen
Classification: Likely benign. Last evaluated: 2025-02-01. Review status: criteria provided, single submitter. Criteria: CeGaT Center For Human Genetics Tuebingen Variant Classification Criteria Version 2. Collection method: clinical testing. Allele origin: germline. Affected: yes. Observed: 1 variant allele.
Comment: DST: BP4, BS2

NM_001723.7(DST):c.6007G>A (p.Ala2003Thr)

Gene: DST (dystonin; minus strand). Cytogenetic location: 6p12.1.
Variant type: single nucleotide variant.
Coding change: c.6007G>A on transcript NM_001723.7 (MANE Plus Clinical); coding-DNA position 6007, G replaced by A.
Protein change: p.Ala2003Thr; replaces alanine 2003 with threonine.
Molecular consequence: missense variant. On other transcripts: intron variant (10).
Genome position (GRCh38, 1-based): chr6:56,618,027, C>T on the plus strand (G>A on the coding strand, the complement: DST is on the minus strand). VCF-style: chr6-56618027-C-T. GRCh37 (hg19) VCF-style: chr6-56482825-C-T.
Other names: c.4831-3543G>A (NM_001144769.5); c.4930-3543G>A (NM_001374722.1, NM_001374736.1); c.4957-3543G>A (NM_001374734.1); c.4417-3543G>A (NM_001144770.2); c.4297-3543G>A (NM_001374730.1, NM_001386100.1, NM_183380.4 and 1 more transcripts); c.3319-3543G>A (NM_015548.5); short protein forms A2003T.
Identifiers: ClinVar variation 357559 (VCV000357559.30), dbSNP rs74874398, ClinGen allele CA3870264.